The following is an entry in ClinVar:

NM_001122630.2(CDKN1C):c.43C>T (p.Arg15Cys)

Gene: CDKN1C (cyclin dependent kinase inhibitor 1C; minus strand). Cytogenetic location: 11p15.4.
Variant type: single nucleotide variant.
Coding change: c.43C>T on transcript NM_001122630.2 (MANE Select); coding-DNA position 43, C replaced by T.
Protein change: p.Arg15Cys; replaces arginine 15 with cysteine.
Molecular consequence: missense variant.
Genome position (GRCh38, 1-based): chr11:2,885,414, G>A on the plus strand (C>T on the coding strand, the complement: CDKN1C is on the minus strand). VCF-style: chr11-2885414-G-A. GRCh37 (hg19) VCF-style: chr11-2906644-G-A.
Other names: c.76C>T, p.Arg26Cys (NM_000076.2, NM_001362474.2); c.43C>T, p.Arg15Cys (NM_001122631.2, NM_001362475.2); short protein forms R26C, R15C.
Identifiers: ClinVar variation 1392325 (VCV001392325.6), dbSNP rs765255367, ClinGen allele CA379147861.

ClinVar aggregate classification (germline): Uncertain significance (1 of 4 stars; one submission).

Conditions:
Beckwith-Wiedemann syndrome (BWS). Also called: EMG SYNDROME; Exomphalos macroglossia gigantism syndrome. Identifiers: Orphanet 116, MedGen C0004903, MONDO:0007534, OMIM 130650.

Allele frequency attached by ClinVar (database versions not stated): gnomAD exomes below 0.00001.
gnomAD v4.1: 2 of 1,552,884 alleles (0.00013%); highest among the groups gnomAD compares: Non-Finnish European, 0.00017%; no homozygotes.

Submission:

Labcorp Genetics (formerly Invitae), Labcorp
Classification: Uncertain significance for Beckwith-Wiedemann syndrome. Last evaluated: 2021-11-09. Review status: criteria provided, single submitter. Criteria: Invitae Variant Classification Sherloc (09022015). Collection method: clinical testing. Allele origin: germline.
Comment: In summary, the available evidence is currently insufficient to determine the role of this variant in disease. Therefore, it has been classified as a Variant of Uncertain Significance. Algorithms developed to predict the effect of missense changes on protein structure and function are either unavailable or do not agree on the potential impact of this missense change (SIFT: "Deleterious"; PolyPhen-2: "Probably Damaging"; Align-GVGD: "Class C15"). This variant has not been reported in the literature in individuals affected with CDKN1C-related conditions. This variant is not present in population databases (gnomAD no frequency). This sequence change replaces arginine, which is basic and polar, with cysteine, which is neutral and slightly polar, at codon 26 of the CDKN1C protein (p.Arg26Cys).